The following is an entry in ClinVar:

NM_001367479.1(DNAH14):c.5743_5745delinsTGG (p.Gly1915Trp)

Gene: DNAH14 (dynein axonemal heavy chain 14; plus strand). Cytogenetic location: 1q42.12.
Variant type: Indel.
Coding change: c.5743_5745delinsTGG on transcript NM_001367479.1 (MANE Select); coding-DNA positions 5743 to 5745, GGA replaced by TGG.
Protein change: p.Gly1915Trp; replaces glycine 1915 with tryptophan.
Molecular consequence: missense variant.
Genome position (GRCh38, 1-based): chr1:225,192,768-225,192,770, GGA replaced by TGG. VCF-style: chr1-225192768-GGA-TGG. GRCh37 (hg19) VCF-style: chr1-225380470-GGA-TGG.
Other names: NM_001373.1:c.5677_5679delinsTGG; short protein forms G1915W.
Identifiers: ClinVar variation 5009825 (VCV005009825.1).

ClinVar aggregate classification (germline): Uncertain significance (1 of 4 stars; one submission).

Submission:

GeneDx
Classification: Uncertain significance. Last evaluated: 2026-02-19. Review status: criteria provided, single submitter. Criteria: GeneDx Variant Classification Process June 2021. Collection method: clinical testing. Allele origin: germline.
Comment: Not observed at significant frequency in large population cohorts (gnomAD); In silico analysis suggests that this variant does not alter protein structure/function; Has not been previously published as pathogenic or benign to our knowledge